The following is an entry in ClinVar:

NM_001374353.1(GLI2):c.1748G>A (p.Arg583His)

Gene: GLI2 (GLI family zinc finger 2; plus strand). Cytogenetic location: 2q14.2.
Variant type: single nucleotide variant.
Coding change: c.1748G>A on transcript NM_001374353.1 (MANE Select); coding-DNA position 1748, G replaced by A.
Protein change: p.Arg583His; replaces arginine 583 with histidine.
Molecular consequence: missense variant.
Genome position (GRCh38, 1-based): chr2:120,984,586, G>A. VCF-style: chr2-120984586-G-A. GRCh37 (hg19) VCF-style: chr2-121742162-G-A.
Other names: c.1799G>A, p.Arg600His (NM_001371271.1, NM_005270.5); c.1373G>A, p.Arg458His (NM_001374354.1); short protein forms R458H, R583H, R600H.
Identifiers: ClinVar variation 3348504 (VCV003348504.1).

ClinVar aggregate classification (germline): Uncertain significance (0 of 4 stars; one submission).

Conditions:
GLI2-related disorder. Also called: GLI2-related condition; GLI2-related disorders.

gnomAD v4.1: 6 of 1,614,210 alleles (0.00037%); highest among the groups gnomAD compares: South Asian, 0.0022%; no homozygotes.

Submission:

PreventionGenetics, part of Exact Sciences
Classification: Uncertain significance for GLI2-related condition. Last evaluated: 2024-04-03. Review status: no assertion criteria provided. Collection method: clinical testing. Allele origin: germline.
Comment: The GLI2 c.1799G>A variant is predicted to result in the amino acid substitution p.Arg600His. To our knowledge, this variant has not been reported in the literature. This variant is reported in 0.0018% of alleles in individuals of European (Non-Finnish) descent in gnomAD. At this time, the clinical significance of this variant is uncertain due to the absence of conclusive functional and genetic evidence.